The following is an entry in ClinVar:

ClinVar aggregate classification (germline): Uncertain significance (1 of 4 stars; one submission).

Conditions:
Early-infantile DEE. Also called: Ohtahara syndrome; Early infantile epileptic encephalopathy with suppression bursts; Early infantile epileptic encephalopathy. Identifiers: Orphanet 1934, MedGen C0393706, MONDO:0800491.

Allele frequency attached by ClinVar (database versions not stated): TOPMed 0.00002.
gnomAD v4.1: 3 of 1,612,726 alleles (0.00019%); highest among the groups gnomAD compares: East Asian, 0.0022%; no homozygotes.

Submission:

Labcorp Genetics (formerly Invitae), Labcorp
Classification: Uncertain significance for Early-infantile DEE. Last evaluated: 2020-01-21. Review status: criteria provided, single submitter. Criteria: Invitae Variant Classification Sherloc (09022015). Collection method: clinical testing. Allele origin: germline.
Comment: In summary, the available evidence is currently insufficient to determine the role of this variant in disease. Therefore, it has been classified as a Variant of Uncertain Significance. Algorithms developed to predict the effect of sequence changes on RNA splicing suggest that this variant may create or strengthen a splice site, but this prediction has not been confirmed by published transcriptional studies. Algorithms developed to predict the effect of missense changes on protein structure and function (SIFT, PolyPhen-2, Align-GVGD) all suggest that this variant is likely to be disruptive, but these predictions have not been confirmed by published functional studies and their clinical significance is uncertain. This variant has not been reported in the literature in individuals with ARHGEF15-related conditions. This variant is not present in population databases (ExAC no frequency). This sequence change replaces arginine with cysteine at codon 417 of the ARHGEF15 protein (p.Arg417Cys). The arginine residue is highly conserved and there is a large physicochemical difference between arginine and cysteine.

NM_173728.4(ARHGEF15):c.1249C>T (p.Arg417Cys)

Gene: ARHGEF15 (Rho guanine nucleotide exchange factor 15; plus strand). Cytogenetic location: 17p13.1.
Variant type: single nucleotide variant.
Coding change: c.1249C>T on transcript NM_173728.4 (MANE Select); coding-DNA position 1249, C replaced by T.
Protein change: p.Arg417Cys; replaces arginine 417 with cysteine.
Molecular consequence: missense variant.
Genome position (GRCh38, 1-based): chr17:8,315,266, C>T. VCF-style: chr17-8315266-C-T. GRCh37 (hg19) VCF-style: chr17-8218584-C-T.
Other names: c.1249C>T, p.Arg417Cys (NM_025014.2); short protein forms R417C.
Identifiers: ClinVar variation 1015235 (VCV001015235.10), dbSNP rs376034940, ClinGen allele CA398020026.
Genomic context (GRCh38, chr17:8,315,266, plus strand): 5'-CAGGAGCTTCCGGCTGTGCAAGCCAGCGGTCTTCTGGATACCCTCAGCCCCCAGGAGAGG[C>T]GCATGCAGGAGGTGGGAGCTGGAGGTGGGAGATGGGAGGGGGGTGCTGGGGTTGGGCTGC-3'
Protein context (NP_776089.2, residues 407-427): LLDTLSPQER[Arg417Cys]MQESLFEVVT